The following is an entry in ClinVar:

ClinVar aggregate classification (germline): Likely benign (0 of 4 stars; one submission).

Conditions:
GREB1L-related disorder. Also called: GREB1L-related condition.

Allele frequency attached by ClinVar (database versions not stated): gnomAD exomes 0.00001; gnomAD 0.00008; TOPMed 0.00009; ExAC 0.00010.
gnomAD v4.1: 25 of 1,551,156 alleles (0.0016%); highest among the groups gnomAD compares: African/African-American, 0.03%; no homozygotes.

Submission:

PreventionGenetics, part of Exact Sciences
Classification: Likely benign for GREB1L-related condition. Last evaluated: 2019-12-09. Review status: no assertion criteria provided. Collection method: clinical testing. Allele origin: germline.
Comment: This variant is classified as likely benign based on ACMG/AMP sequence variant interpretation guidelines (Richards et al. 2015 PMID: 25741868, with internal and published modifications).

NM_001142966.3(GREB1L):c.4735+6G>A

Gene: GREB1L (GREB1 like retinoic acid receptor coactivator; plus strand). Cytogenetic location: 18q11.2.
Variant type: single nucleotide variant.
Coding change: c.4735+6G>A on transcript NM_001142966.3 (MANE Select); 6 bases into the intron after coding-DNA position 4735, G replaced by A.
Molecular consequence: intron variant.
Genome position (GRCh38, 1-based): chr18:21,508,597, G>A. VCF-style: chr18-21508597-G-A. GRCh37 (hg19) VCF-style: chr18-19088558-G-A.
Other names: c.4864+6G>A (NM_001410867.1); c.4408+6G>A (NM_001410868.1).
Identifiers: ClinVar variation 3049121 (VCV003049121.2), dbSNP rs749184398, ClinGen allele CA8906679.